The following is an entry in ClinVar:

ClinVar aggregate classification (germline): Pathogenic. Review status: criteria provided, multiple submitters, no conflicts (2 of 4 stars). 7 submissions from 7 submitters: Pathogenic (4). 3 of the submissions do not count toward it. Last evaluated 2025-06-18.

Conditions:
DNAH11-related disorders.
Primary ciliary dyskinesia. Also called: Ciliary dyskinesia. Identifiers: Orphanet 244, MedGen C0008780, MONDO:0016575, HP:0012265.
Primary ciliary dyskinesia 7. Also called: CILIARY DYSKINESIA, PRIMARY, 7, WITH OR WITHOUT SITUS INVERSUS. Identifiers: Orphanet 244, MedGen C2678473, MONDO:0012748, OMIM 611884.

Allele frequency attached by ClinVar (database versions not stated): ExAC 0.00001; gnomAD 0.00001; TOPMed 0.00001; gnomAD exomes 0.00002 and 0.00004.
gnomAD v4.1: 63 of 1,570,372 alleles (0.004%); highest among the groups gnomAD compares: Non-Finnish European, 0.0053%; 1 homozygote.

Submissions (7):

Labcorp Genetics (formerly Invitae), Labcorp
Classification: Pathogenic for Primary ciliary dyskinesia. Last evaluated: 2025-06-18. Review status: criteria provided, single submitter. Criteria: Invitae Variant Classification Sherloc (09022015). Collection method: clinical testing. Allele origin: germline.
Comment: This sequence change affects a donor splice site in intron 33 of the DNAH11 gene. RNA analysis indicates that disruption of this splice site induces altered splicing and may result in an absent or altered protein product. This variant is present in population databases (rs72657333, gnomAD 0.004%). Disruption of this splice site has been observed in individual(s) with primary ciliary dyskinesia (PMID: 22184204, 31879361). ClinVar contains an entry for this variant (Variation ID: 454688). Studies have shown that disruption of this splice site results in skipping of exons 32-35, and produces a non-functional protein and/or introduces a premature termination codon (PMID: 22184204). For these reasons, this variant has been classified as Pathogenic.

Blueprint Genetics
Classification: Pathogenic for DNAH11-related disorders. Last evaluated: 2024-02-16. Review status: criteria provided, single submitter. Criteria: ACMG Guidelines, 2015. Collection method: clinical testing. Allele origin: germline. Affected: yes. Observed: 5 variant alleles.

Department of Human Genetics, Hannover Medical School
Classification: Pathogenic for Primary ciliary dyskinesia 7. Last evaluated: 2023-04-20. Review status: criteria provided, single submitter. Criteria: ACMG Guidelines, 2015. Collection method: clinical testing. Allele origin: germline. Inheritance: Autosomal recessive inheritance. Affected: yes.

Institute of Human Genetics, University of Leipzig Medical Center
Classification: Pathogenic for Primary ciliary dyskinesia 7. Last evaluated: 2021-03-18. Review status: criteria provided, single submitter. Criteria: ACMG Guidelines, 2015. Collection method: clinical testing. Allele origin: unknown. Affected: yes.
Comment: This variant was identified as compound heterozygous with NM_001277115.2:c.9765A>T.

Clinical Genetics DNA and cytogenetics Diagnostics Lab, Erasmus MC, Erasmus Medical Center
Classification: Pathogenic. Review status: no assertion criteria provided. Collection method: clinical testing. Allele origin: germline. Affected: yes. Study: VKGL Data-share Consensus. Not counted in ClinVar's aggregate classification.

Diagnostic Laboratory, Department of Genetics, University Medical Center Groningen
Classification: Pathogenic. Review status: no assertion criteria provided. Collection method: clinical testing. Allele origin: germline. Affected: yes. Study: VKGL Data-share Consensus. Not counted in ClinVar's aggregate classification.

Genome Diagnostics Laboratory, Amsterdam University Medical Center
Classification: Pathogenic. Review status: no assertion criteria provided. Collection method: clinical testing. Allele origin: germline. Affected: yes. Study: VKGL Data-share Consensus. Not counted in ClinVar's aggregate classification.

Literature cited by the submitters: PubMed 22184204 (cited by Labcorp Genetics (formerly Invitae), Labcorp); PubMed 31879361 (cited by Labcorp Genetics (formerly Invitae), Labcorp).

NM_001277115.2(DNAH11):c.5778+1G>A

Gene: DNAH11 (dynein axonemal heavy chain 11; plus strand). Cytogenetic location: 7p15.3.
Variant type: single nucleotide variant.
Coding change: c.5778+1G>A on transcript NM_001277115.2 (MANE Select); the canonical splice donor site of the intron after coding-DNA position 5778, G replaced by A.
Molecular consequence: splice donor variant.
Genome position (GRCh38, 1-based): chr7:21,687,256, G>A. VCF-style: chr7-21687256-G-A. GRCh37 (hg19) VCF-style: chr7-21726874-G-A.
Identifiers: ClinVar variation 454688 (VCV000454688.15), dbSNP rs72657333, ClinGen allele CA4180538.